The following is an entry in ClinVar:

ClinVar aggregate classification (germline): Uncertain significance (1 of 4 stars; one submission).

Submission:

Labcorp Genetics (formerly Invitae), Labcorp
Classification: Uncertain significance. Last evaluated: 2024-04-03. Review status: criteria provided, single submitter. Criteria: Invitae Variant Classification Sherloc (09022015). Collection method: clinical testing. Allele origin: germline.
Comment: This sequence change replaces methionine, which is neutral and non-polar, with valine, which is neutral and non-polar, at codon 144 of the NDUFS2 protein (p.Met144Val). This variant is not present in population databases (gnomAD no frequency). This variant has not been reported in the literature in individuals affected with NDUFS2-related conditions. ClinVar contains an entry for this variant (Variation ID: 1466759). Advanced modeling of protein sequence and biophysical properties (such as structural, functional, and spatial information, amino acid conservation, physicochemical variation, residue mobility, and thermodynamic stability) performed at Invitae indicates that this missense variant is not expected to disrupt NDUFS2 protein function with a negative predictive value of 80%. In summary, the available evidence is currently insufficient to determine the role of this variant in disease. Therefore, it has been classified as a Variant of Uncertain Significance.

NM_001377299.1(NDUFS2):c.430A>G (p.Met144Val)

Gene: NDUFS2 (NADH:ubiquinone oxidoreductase core subunit S2; plus strand). Cytogenetic location: 1q23.3.
Variant type: single nucleotide variant.
Coding change: c.430A>G on transcript NM_001377299.1 (MANE Select); coding-DNA position 430, A replaced by G.
Protein change: p.Met144Val; replaces methionine 144 with valine.
Molecular consequence: missense variant. On other transcripts: non-coding transcript variant (1).
Genome position (GRCh38, 1-based): chr1:161,209,229, A>G. VCF-style: chr1-161209229-A-G. GRCh37 (hg19) VCF-style: chr1-161179019-A-G.
Other names: c.430A>G, p.Met144Val (NM_001166159.2, NM_001377298.1, NM_001377300.1 and 3 more transcripts); short protein forms M144V.
Identifiers: ClinVar variation 1466759 (VCV001466759.8), dbSNP rs1665635896, ClinGen allele CA343379141.